The following is an entry in ClinVar:

ClinVar aggregate classification (germline): Uncertain significance (1 of 4 stars; one submission).

Allele frequency attached by ClinVar (database versions not stated): gnomAD exomes below 0.00001; gnomAD 0.00001; TOPMed 0.00002.

Submission:

Labcorp Genetics (formerly Invitae), Labcorp
Classification: Uncertain significance. Last evaluated: 2023-08-11. Review status: criteria provided, single submitter. Criteria: Invitae Variant Classification Sherloc (09022015). Collection method: clinical testing. Allele origin: germline.
Comment: In summary, the available evidence is currently insufficient to determine the role of this variant in disease. Therefore, it has been classified as a Variant of Uncertain Significance. Variants that disrupt the consensus splice site are a relatively common cause of aberrant splicing (PMID: 17576681, 9536098). Algorithms developed to predict the effect of sequence changes on RNA splicing suggest that this variant is not likely to affect RNA splicing. This variant has not been reported in the literature in individuals affected with REN-related conditions. This variant is present in population databases (no rsID available, gnomAD 0.01%). This sequence change falls in intron 5 of the REN gene. It does not directly change the encoded amino acid sequence of the REN protein. It affects a nucleotide within the consensus splice site.

Literature cited by the submitters: PubMed 17576681; PubMed 9536098.

NM_000537.4(REN):c.689+6G>A

Gene: REN (renin; minus strand). Cytogenetic location: 1q32.1.
Variant type: single nucleotide variant.
Coding change: c.689+6G>A on transcript NM_000537.4 (MANE Select); 6 bases into the intron after coding-DNA position 689, G replaced by A.
Molecular consequence: intron variant.
Genome position (GRCh38, 1-based): chr1:204,159,393, C>T on the plus strand (G>A on the coding strand, the complement: REN is on the minus strand). VCF-style: chr1-204159393-C-T. GRCh37 (hg19) VCF-style: chr1-204128521-C-T.
Identifiers: ClinVar variation 2829164 (VCV002829164.3), dbSNP rs914174034, ClinGen allele CA35734497.